The following is an entry in ClinVar:

ClinVar aggregate classification (germline): Uncertain significance (1 of 4 stars; one submission).

Conditions:
Familial sleep-related hypermotor epilepsy. Also called: Autosomal Dominant Sleep-Related Hypermotor (Hyperkinetic) Epilepsy. Identifiers: Orphanet 98784, MedGen C3696898, MONDO:0000030.

gnomAD v4.1: 29 of 1,613,926 alleles (0.0018%); highest among the groups gnomAD compares: African/African-American, 0.012%; no homozygotes.

Submission:

Labcorp Genetics (formerly Invitae), Labcorp
Classification: Uncertain significance. Last evaluated: 2024-02-17. Review status: criteria provided, single submitter. Criteria: Invitae Variant Classification Sherloc (09022015). Collection method: clinical testing. Allele origin: germline.
Comment: This sequence change replaces valine, which is neutral and non-polar, with methionine, which is neutral and non-polar, at codon 349 of the CHRNA2 protein (p.Val349Met). This variant is present in population databases (no rsID available, gnomAD 0.007%). This variant has not been reported in the literature in individuals affected with CHRNA2-related conditions. ClinVar contains an entry for this variant (Variation ID: 1361394). Advanced modeling of protein sequence and biophysical properties (such as structural, functional, and spatial information, amino acid conservation, physicochemical variation, residue mobility, and thermodynamic stability) performed at Invitae indicates that this missense variant is expected to disrupt CHRNA2 protein function with a positive predictive value of 80%. In summary, the available evidence is currently insufficient to determine the role of this variant in disease. Therefore, it has been classified as a Variant of Uncertain Significance.

NM_000742.4(CHRNA2):c.1045G>A (p.Val349Met)

Gene: CHRNA2 (cholinergic receptor nicotinic alpha 2 subunit; minus strand). Cytogenetic location: 8p21.2.
Variant type: single nucleotide variant.
Coding change: c.1045G>A on transcript NM_000742.4 (MANE Select); coding-DNA position 1045, G replaced by A.
Protein change: p.Val349Met; replaces valine 349 with methionine.
Molecular consequence: missense variant.
Genome position (GRCh38, 1-based): chr8:27,463,398, C>T on the plus strand (G>A on the coding strand, the complement: CHRNA2 is on the minus strand). VCF-style: chr8-27463398-C-T. GRCh37 (hg19) VCF-style: chr8-27320915-C-T.
Other names: c.1000G>A, p.Val334Met (NM_001282455.2); c.568G>A, p.Val190Met (NM_001347705.2, NM_001347706.2); c.451G>A, p.Val151Met (NM_001347707.2, NM_001347708.2); short protein forms V151M, V190M, V349M, V334M.
Identifiers: ClinVar variation 1361394 (VCV001361394.6), dbSNP rs774279507, ClinGen allele CA174241805.
Genomic context (GRCh38, chr8:27,463,398, plus strand): 5'-CCCCCCGCACCCAGTGGGGCATGGTGTGGGTGCTGGGGGAGCGGTGGTGCACATTGAGCA[C>T]GAAGACGGTGATGACGATGGACAGGGTGACGAAGATCATGGTGAACAGCAGGTACTCGCC-3'
Protein context (NP_000733.2, residues 339-359): VTLSIVITVF[Val349Met]LNVHHRSPST